The following is an entry in ClinVar:

ClinVar aggregate classification (germline): Uncertain significance (1 of 4 stars; one submission).

Conditions:
Familial thoracic aortic aneurysm and aortic dissection (TAAD). Also called: Thoracic aortic aneurysms and dissections. Identifiers: Orphanet 91387, MedGen C4707243, MONDO:0019625.

Allele frequency attached by ClinVar (database versions not stated): gnomAD exomes below 0.00001.
gnomAD v4.1: 1 of 1,613,228 alleles (0.000062%); highest among the groups gnomAD compares: Non-Finnish European, 0.000085%; no homozygotes.

Submission:

Color Diagnostics, LLC DBA Color Health
Classification: Uncertain significance for Familial thoracic aortic aneurysm and aortic dissection. Last evaluated: 2024-08-27. Review status: criteria provided, single submitter. Criteria: ACMG Guidelines, 2015. Collection method: clinical testing. Allele origin: germline.
Comment: This variant is located in the 5' untranslated region of the MYH11 gene. To our knowledge, functional studies have not been reported for this variant. This variant has not been reported in individuals affected with MYH11-related disorders in the literature. This variant has not been identified in the general population by the Genome Aggregation Database (gnomAD). The available evidence is insufficient to determine the role of this variant in disease conclusively. Therefore, this variant is classified as a Variant of Uncertain Significance.

NM_002474.3(MYH11):c.-12C>A

Gene: MYH11 (myosin heavy chain 11; minus strand). Cytogenetic location: 16p13.11.
Variant type: single nucleotide variant.
Coding change: c.-12C>A on transcript NM_002474.3 (MANE Select); 12 bases upstream of the start codon, C replaced by A.
Molecular consequence: 5 prime UTR variant.
Genome position (GRCh38, 1-based): chr16:15,838,264, G>T on the plus strand (C>A on the coding strand, the complement: MYH11 is on the minus strand). VCF-style: chr16-15838264-G-T. GRCh37 (hg19) VCF-style: chr16-15932121-G-T.
Other names: c.-12C>A (NM_001040113.2, NM_001040114.2, NM_022844.3).
Identifiers: ClinVar variation 919972 (VCV000919972.4), dbSNP rs763118586, ClinGen allele CA913188695.
Genomic context (GRCh38, chr16:15,838,264, plus strand): 5'-CCACAAAGAGGAACTTCTCATCGTCACTGAGTTGGCCCTTCTGCGCCATGGTGCCTTGTT[G>T]GTCCCCTGTGGAATAAGGTAACAGGGTCAGAATCAGACCACAACCAAGCCCGGAAGACAG-3'